The following is an entry in ClinVar:

ClinVar aggregate classification (germline): Benign (0 of 4 stars; one submission).

Conditions:
PTPRT-related disorder. Also called: PTPRT-related condition.

Allele frequency attached by ClinVar (database versions not stated): gnomAD exomes 0.51982; ExAC 0.53084; 1000 Genomes Project 0.55651; 1000 Genomes Project 30x 0.55762; gnomAD 0.55786; TOPMed 0.56475; ESP Exome Variant Server 0.56495.
gnomAD v4.1: 840,611 of 1,604,748 alleles (52%); highest among the groups gnomAD compares: African/African-American, 63%; 221,498 homozygotes.

Submission:

PreventionGenetics, part of Exact Sciences
Classification: Benign for PTPRT-related condition. Last evaluated: 2019-10-17. Review status: no assertion criteria provided. Collection method: clinical testing. Allele origin: germline.
Comment: This variant is classified as benign based on ACMG/AMP sequence variant interpretation guidelines (Richards et al. 2015 PMID: 25741868, with internal and published modifications).

NM_007050.6(PTPRT):c.3099+10T>C

Gene: PTPRT (protein tyrosine phosphatase receptor type T; minus strand). Cytogenetic location: 20q12.
Variant type: single nucleotide variant.
Coding change: c.3099+10T>C on transcript NM_007050.6 (MANE Select); 10 bases into the intron after coding-DNA position 3099, T replaced by C.
Molecular consequence: intron variant.
Genome position (GRCh38, 1-based): chr20:42,115,189, A>G on the plus strand (T>C on the coding strand, the complement: PTPRT is on the minus strand). VCF-style: chr20-42115189-A-G. GRCh37 (hg19) VCF-style: chr20-40743829-A-G.
Other names: c.3156+10T>C (NM_001394024.1, NM_133170.4); c.3123+10T>C (NM_001394025.1); c.3096+10T>C (NM_001394026.1).
Identifiers: ClinVar variation 3059599 (VCV003059599.2), dbSNP rs2076248, ClinGen allele CA9864010.